The following is an entry in ClinVar:

NM_002700.3(POU4F3):c.327C>A (p.His109Gln)

Genes: POU4F3 (POU class 4 homeobox 3; plus strand), RBM27-POU4F3 (RBM27-POU4F3 readthrough; plus strand). Cytogenetic location: 5q32.
Variant type: single nucleotide variant.
Coding change: c.327C>A on transcript NM_002700.3 (MANE Select); coding-DNA position 327, C replaced by A.
Protein change: p.His109Gln; replaces histidine 109 with glutamine.
Molecular consequence: missense variant.
Genome position (GRCh38, 1-based): chr5:146,339,754, C>A. VCF-style: chr5-146339754-C-A. GRCh37 (hg19) VCF-style: chr5-145719317-C-A.
Other names: short protein forms H109Q.
Identifiers: ClinVar variation 873502 (VCV000873502.5), dbSNP rs1280898301, ClinGen allele CA361620477.

ClinVar aggregate classification (germline): Uncertain significance. Review status: criteria provided, multiple submitters, no conflicts (2 of 4 stars). 2 submissions from 2 submitters: Uncertain significance (2). Last evaluated 2025-02-19.

Conditions:
Inborn genetic diseases. Identifiers: MedGen C0950123, MeSH D030342.
Autosomal dominant nonsyndromic hearing loss 15 (DFNA15). Also called: DEAFNESS, AUTOSOMAL DOMINANT 52; Autosomal dominant nonsyndromic hearing loss 52. Identifiers: Orphanet 90635, MedGen C1865366, MONDO:0011226, OMIM 602459.

Allele frequency attached by ClinVar (database versions not stated): gnomAD 0.00001; TOPMed 0.00001.

Submissions (2):

Ambry Genetics
Classification: Uncertain significance for Inborn genetic diseases. Last evaluated: 2025-02-19. Review status: criteria provided, single submitter. Criteria: Ambry Variant Classification Scheme 2023. Collection method: clinical testing. Allele origin: germline.

Illumina Laboratory Services, Illumina
Classification: Uncertain significance for Autosomal dominant nonsyndromic hearing loss 15. Last evaluated: 2020-02-07. Review status: criteria provided, single submitter. Criteria: ICSLVariantClassificationCriteria RUGD 01 April 2020. Collection method: clinical testing. Allele origin: unknown.
Comment: The POU4F3 c.327C>A (p.His109Gln) variant is a missense variant. A literature search was performed for the gene, cDNA change, and amino acid change. No publications were found based on this search. The p.His109Gln variant is reported at a frequency of 0.000115 in the African population of the Genome Aggregation Database though this is based on one allele in a region of good sequence coverage so the variant is presumed to be rare. Based on the limited evidence, the p.His109Gln variant is classified as a variant of unknown significance for an autosomal dominant form of nonsyndromic hearing loss.